The following is an entry in ClinVar:

NM_015404.4(WHRN):c.2261C>T (p.Ser754Leu)

Gene: WHRN (whirlin; minus strand). Cytogenetic location: 9q32.
Variant type: single nucleotide variant.
Coding change: c.2261C>T on transcript NM_015404.4 (MANE Select); coding-DNA position 2261, C replaced by T.
Protein change: p.Ser754Leu; replaces serine 754 with leucine.
Molecular consequence: missense variant.
Genome position (GRCh38, 1-based): chr9:114,404,053, G>A on the plus strand (C>T on the coding strand, the complement: WHRN is on the minus strand). VCF-style: chr9-114404053-G-A. GRCh37 (hg19) VCF-style: chr9-117166333-G-A.
Other names: c.1112C>T, p.Ser371Leu (NM_001083885.3); c.2258C>T, p.Ser753Leu (NM_001173425.2); c.1208C>T, p.Ser403Leu (NM_001346890.1); short protein forms S754L, S371L, S403L, S753L.
Identifiers: ClinVar variation 364681 (VCV000364681.11), dbSNP rs768714315, ClinGen allele CA5205680.

ClinVar aggregate classification (germline): Uncertain significance. Review status: criteria provided, multiple submitters, no conflicts (2 of 4 stars). 4 submissions from 3 submitters: Uncertain significance (4). Last evaluated 2024-05-22.

Conditions:
Autosomal recessive nonsyndromic hearing loss 31. Also called: WHIRLER, MOUSE, HOMOLOG OF. Identifiers: Orphanet 90636, MedGen C1846839, MONDO:0011767, OMIM 607084.
Usher syndrome type 2D. Also called: USHER SYNDROME, TYPE IID. Identifiers: Orphanet 231178, Orphanet 886, MedGen C1568249, MONDO:0012662, OMIM 611383.

Allele frequency attached by ClinVar (database versions not stated): gnomAD 0.00003; ExAC 0.00004; gnomAD exomes 0.00005; TOPMed 0.00006.
gnomAD v4.1: 76 of 1,613,108 alleles (0.0047%); highest among the groups gnomAD compares: East Asian, 0.011%; no homozygotes.

Submissions (4):

Blueprint Genetics
Classification: Uncertain significance. Last evaluated: 2024-05-22. Review status: criteria provided, single submitter. Criteria: ACMG Guidelines, 2015. Collection method: clinical testing. Allele origin: germline.

Labcorp Genetics (formerly Invitae), Labcorp
Classification: Uncertain significance. Last evaluated: 2022-06-03. Review status: criteria provided, single submitter. Criteria: Invitae Variant Classification Sherloc (09022015). Collection method: clinical testing. Allele origin: germline.
Comment: This sequence change replaces serine, which is neutral and polar, with leucine, which is neutral and non-polar, at codon 754 of the WHRN protein (p.Ser754Leu). This variant is present in population databases (rs768714315, gnomAD 0.06%). This variant has not been reported in the literature in individuals affected with WHRN-related conditions. ClinVar contains an entry for this variant (Variation ID: 364681). Algorithms developed to predict the effect of missense changes on protein structure and function are either unavailable or do not agree on the potential impact of this missense change (SIFT: "Deleterious"; PolyPhen-2: "Probably Damaging"; Align-GVGD: "Class C0"). In summary, the available evidence is currently insufficient to determine the role of this variant in disease. Therefore, it has been classified as a Variant of Uncertain Significance.

Illumina Laboratory Services, Illumina
Classification: Uncertain significance for Usher syndrome type 2D. Last evaluated: 2018-01-13. Review status: criteria provided, single submitter. Criteria: ICSL Variant Classification Criteria 13 December 2019. Collection method: clinical testing. Allele origin: germline.

Illumina Laboratory Services, Illumina
Classification: Uncertain significance for Autosomal recessive nonsyndromic hearing loss 31. Last evaluated: 2018-01-13. Review status: criteria provided, single submitter. Criteria: ICSL Variant Classification Criteria 13 December 2019. Collection method: clinical testing. Allele origin: germline.